The following is an entry in ClinVar:

NM_004820.5(CYP7B1):c.56T>C (p.Leu19Pro)

Gene: CYP7B1 (cytochrome P450 family 7 subfamily B member 1; minus strand). Cytogenetic location: 8q12.3.
Variant type: single nucleotide variant.
Coding change: c.56T>C on transcript NM_004820.5 (MANE Select); coding-DNA position 56, T replaced by C.
Protein change: p.Leu19Pro; replaces leucine 19 with proline.
Molecular consequence: missense variant.
Genome position (GRCh38, 1-based): chr8:64,798,532, A>G on the plus strand (T>C on the coding strand, the complement: CYP7B1 is on the minus strand). VCF-style: chr8-64798532-A-G. GRCh37 (hg19) VCF-style: chr8-65711089-A-G.
Other names: c.56T>C, p.Leu19Pro (NM_001324112.2); short protein forms L19P.
Identifiers: ClinVar variation 193293 (VCV000193293.25), dbSNP rs72554624, ClinGen allele CA200481.

ClinVar aggregate classification (germline): Benign. Review status: criteria provided, multiple submitters, no conflicts (2 of 4 stars). 8 submissions from 8 submitters: Benign (8). Last evaluated 2026-02-03.

Conditions:
Spastic paraplegia. Identifiers: MedGen C0037772, HP:0001258.
Hereditary spastic paraplegia. Also called: Familial spastic paraparesis. Identifiers: Orphanet 685, MedGen C0037773, MONDO:0019064. Disease mechanism: loss of function.
Hereditary spastic paraplegia 5A (SPG5A). Also called: SPASTIC PARAPLEGIA 5A, AUTOSOMAL RECESSIVE. Identifiers: Orphanet 100986, MedGen C1849115, MONDO:0010047, OMIM 270800.

Allele frequency attached by ClinVar (database versions not stated): gnomAD exomes 0.00302 and 0.00331; ExAC 0.00438; ESP Exome Variant Server 0.01234; gnomAD 0.03902 and 0.04177; 1000 Genomes Project 0.04093; TOPMed 0.04347; 1000 Genomes Project 30x 0.04700.
gnomAD v4.1: 10,616 of 1,499,110 alleles (0.71%); highest among the groups gnomAD compares: African/African-American, 13%; 645 homozygotes.

Submissions (8):

Labcorp Genetics (formerly Invitae), Labcorp
Classification: Benign for Spastic paraplegia. Last evaluated: 2026-02-03. Review status: criteria provided, single submitter. Criteria: Invitae Variant Classification Sherloc (09022015). Collection method: clinical testing. Allele origin: germline.

Mayo Clinic Laboratories, Mayo Clinic
Classification: Benign. Last evaluated: 2021-12-10. Review status: criteria provided, single submitter. Criteria: ACMG Guidelines, 2015. Collection method: clinical testing. Allele origin: germline. Observed: 49 variant alleles.

Genome Diagnostics Laboratory, The Hospital for Sick Children
Classification: Benign for Hereditary spastic paraplegia. Last evaluated: 2021-11-12. Review status: criteria provided, single submitter. Criteria: ACMG Guidelines, 2015. Collection method: clinical testing. Allele origin: germline. Affected: yes.

Illumina Laboratory Services, Illumina
Classification: Benign for Hereditary spastic paraplegia 5A. Last evaluated: 2018-01-13. Review status: criteria provided, single submitter. Criteria: ICSL Variant Classification Criteria 13 December 2019. Collection method: clinical testing. Allele origin: germline.
Comment: This variant was observed in the ICSL laboratory as part of a predisposition screen in an ostensibly healthy population. It had not been previously curated by ICSL or reported in the Human Gene Mutation Database (HGMD: prior to June 1st, 2018), and was therefore a candidate for classification through an automated scoring system. Utilizing variant allele frequency, disease prevalence and penetrance estimates, and inheritance mode, an automated score was calculated to assess if this variant is too frequent to cause the disease. Based on the score and internal cut-off values, a variant classified as benign is not then subjected to further curation. The score for this variant resulted in a classification of benign for this disease.

Athena Diagnostics
Classification: Benign. Last evaluated: 2018-01-02. Review status: criteria provided, single submitter. Criteria: Athena Diagnostics Criteria. Collection method: clinical testing. Allele origin: germline.

GeneDx
Classification: Benign. Last evaluated: 2017-06-12. Review status: criteria provided, single submitter. Criteria: GeneDx Variant Classification (06012015). Collection method: clinical testing. Allele origin: germline. Affected: yes.
Comment: This variant is considered likely benign or benign based on one or more of the following criteria: it is a conservative change, it occurs at a poorly conserved position in the protein, it is predicted to be benign by multiple in silico algorithms, and/or has population frequency not consistent with disease.

Eurofins Ntd Llc (ga)
Classification: Benign. Last evaluated: 2014-11-14. Review status: criteria provided, single submitter. Criteria: EGL Classification Definitions 2015. Collection method: clinical testing. Allele origin: germline. Observed: 18 variant alleles, 18 heterozygotes.

Breakthrough Genomics
Classification: Benign. Review status: criteria provided, single submitter. Criteria: ACMG Guidelines, 2015. Collection method: not provided. Allele origin: germline. Inheritance: Autosomal recessive inheritance. Affected: yes.

Literature cited by the submitters: PubMed 19439420 (cited by Athena Diagnostics); PubMed 26370385 (cited by Athena Diagnostics).